The following is an entry in ClinVar:

NM_006231.4(POLE):c.2468+1G>A

Gene: POLE (DNA polymerase epsilon, catalytic subunit; minus strand). Cytogenetic location: 12q24.33.
Variant type: single nucleotide variant.
Coding change: c.2468+1G>A on transcript NM_006231.4 (MANE Select); the canonical splice donor site of the intron after coding-DNA position 2468, G replaced by A.
Molecular consequence: splice donor variant.
Genome position (GRCh38, 1-based): chr12:132,665,301, C>T on the plus strand (G>A on the coding strand, the complement: POLE is on the minus strand). VCF-style: chr12-132665301-C-T. GRCh37 (hg19) VCF-style: chr12-133241887-C-T.
Identifiers: ClinVar variation 405678 (VCV000405678.9), dbSNP rs1060500806, ClinGen allele CA16613609.

ClinVar aggregate classification (germline): Likely pathogenic (1 of 4 stars; one submission).

Submission:

Labcorp Genetics (formerly Invitae), Labcorp
Classification: Likely pathogenic. Last evaluated: 2025-12-10. Review status: criteria provided, single submitter. Criteria: Invitae Variant Classification Sherloc (09022015). Collection method: clinical testing. Allele origin: germline.
Comment: This sequence change affects a donor splice site in intron 21 of the POLE gene. RNA analysis indicates that disruption of this splice site induces altered splicing and may result in an absent or altered protein product. This variant is not present in population databases (gnomAD no frequency). This variant has not been reported in the literature in individuals affected with POLE-related conditions. ClinVar contains an entry for this variant (Variation ID: 405678). Studies have shown that disruption of this splice site results in multiple effects, and produces a non-functional protein and/or introduces a premature termination codon (internal data). In summary, the currently available evidence indicates that the variant is pathogenic, but additional data are needed to prove that conclusively. Therefore, this variant has been classified as Likely Pathogenic.